The following is an entry in ClinVar:

NM_005477.3(HCN4):c.1501G>A (p.Val501Met)

Gene: HCN4 (hyperpolarization activated cyclic nucleotide gated potassium channel 4; minus strand). Cytogenetic location: 15q24.1.
Variant type: single nucleotide variant.
Coding change: c.1501G>A on transcript NM_005477.3 (MANE Select); coding-DNA position 1501, G replaced by A.
Protein change: p.Val501Met; replaces valine 501 with methionine.
Molecular consequence: missense variant.
Genome position (GRCh38, 1-based): chr15:73,329,662, C>T on the plus strand (G>A on the coding strand, the complement: HCN4 is on the minus strand). VCF-style: chr15-73329662-C-T. GRCh37 (hg19) VCF-style: chr15-73622003-C-T.
Other names: short protein forms V501M.
Identifiers: ClinVar variation 3524370 (VCV003524370.3).

ClinVar aggregate classification (germline): Uncertain significance. Review status: criteria provided, multiple submitters, no conflicts (2 of 4 stars). 2 submissions from 2 submitters: Uncertain significance (2). Last evaluated 2024-09-26.

Conditions:
Cardiovascular phenotype. Identifiers: MedGen CN230736.
Brugada syndrome 8 (BRGDA8). Identifiers: Orphanet 130, MedGen C2751083, MONDO:0013148, OMIM 613123.

Submissions (2):

Ambry Genetics
Classification: Uncertain significance for Cardiovascular phenotype. Last evaluated: 2024-09-26. Review status: criteria provided, single submitter. Criteria: Ambry Variant Classification Scheme 2023. Collection method: clinical testing. Allele origin: germline.

Labcorp Genetics (formerly Invitae), Labcorp
Classification: Uncertain significance for Brugada syndrome 8. Last evaluated: 2024-02-25. Review status: criteria provided, single submitter. Criteria: Invitae Variant Classification Sherloc (09022015). Collection method: clinical testing. Allele origin: germline.
Comment: This sequence change replaces valine, which is neutral and non-polar, with methionine, which is neutral and non-polar, at codon 501 of the HCN4 protein (p.Val501Met). This variant is not present in population databases (gnomAD no frequency). This variant has not been reported in the literature in individuals affected with HCN4-related conditions. Advanced modeling of protein sequence and biophysical properties (such as structural, functional, and spatial information, amino acid conservation, physicochemical variation, residue mobility, and thermodynamic stability) has been performed at Invitae for this missense variant, however the output from this modeling did not meet the statistical confidence thresholds required to predict the impact of this variant on HCN4 protein function. In summary, the available evidence is currently insufficient to determine the role of this variant in disease. Therefore, it has been classified as a Variant of Uncertain Significance.